The following is an entry in ClinVar:

ClinVar aggregate classification (germline): Uncertain significance (1 of 4 stars; one submission).

Conditions:
Tay-Sachs disease (TSD). Also called: HEXA DEFICIENCY; GM2 gangliosidosis, type 1; Hexosaminidase alpha-subunit deficiency (variant B); Sphingolipidosis, Tay-Sachs; Hexosaminidase A Deficiency; HEXA Disorders. Identifiers: Orphanet 845, MedGen C0039373, MONDO:0010100, OMIM 272800.

Submission:

Labcorp Genetics (formerly Invitae), Labcorp
Classification: Uncertain significance for Tay-Sachs disease. Last evaluated: 2022-06-27. Review status: criteria provided, single submitter. Criteria: Invitae Variant Classification Sherloc (09022015). Collection method: clinical testing. Allele origin: germline.
Comment: In summary, the available evidence is currently insufficient to determine the role of this variant in disease. Therefore, it has been classified as a Variant of Uncertain Significance. Algorithms developed to predict the effect of missense changes on protein structure and function are either unavailable or do not agree on the potential impact of this missense change (SIFT: "Deleterious"; PolyPhen-2: "Possibly Damaging"; Align-GVGD: "Class C0"). This variant has not been reported in the literature in individuals affected with HEXA-related conditions. This variant is not present in population databases (gnomAD no frequency). This sequence change replaces tryptophan, which is neutral and slightly polar, with arginine, which is basic and polar, at codon 24 of the HEXA protein (p.Trp24Arg).

NM_000520.6(HEXA):c.70T>A (p.Trp24Arg)

Gene: HEXA (hexosaminidase subunit alpha; minus strand). Cytogenetic location: 15q23.
Variant type: single nucleotide variant.
Coding change: c.70T>A on transcript NM_000520.6 (MANE Select); coding-DNA position 70, T replaced by A.
Protein change: p.Trp24Arg; replaces tryptophan 24 with arginine.
Molecular consequence: missense variant. On other transcripts: non-coding transcript variant (1).
Genome position (GRCh38, 1-based): chr15:72,375,903, A>T on the plus strand (T>A on the coding strand, the complement: HEXA is on the minus strand). VCF-style: chr15-72375903-A-T. GRCh37 (hg19) VCF-style: chr15-72668244-A-T.
Other names: c.70T>A, p.Trp24Arg (NM_001318825.2); short protein forms W24R.
Identifiers: ClinVar variation 1388227 (VCV001388227.6), dbSNP rs2140344766, ClinGen allele CA393070670.